The following is an entry in ClinVar:

NM_001367624.2(ZNF469):c.5593C>G (p.Leu1865Val)

Gene: ZNF469 (zinc finger protein 469; plus strand). Cytogenetic location: 16q24.2.
Variant type: single nucleotide variant.
Coding change: c.5593C>G on transcript NM_001367624.2 (MANE Select); coding-DNA position 5593, C replaced by G.
Protein change: p.Leu1865Val; replaces leucine 1865 with valine.
Molecular consequence: missense variant.
Genome position (GRCh38, 1-based): chr16:88,433,063, C>G. VCF-style: chr16-88433063-C-G. GRCh37 (hg19) VCF-style: chr16-88499471-C-G.
Other names: NM_001127464.1:c.5509C>G; short protein forms L1865V.
Identifiers: ClinVar variation 2787427 (VCV002787427.4), dbSNP rs1411218089, ClinGen allele CA397101616.

ClinVar aggregate classification (germline): Uncertain significance. Review status: criteria provided, multiple submitters, no conflicts (2 of 4 stars). 2 submissions from 2 submitters: Uncertain significance (2). Last evaluated 2024-08-11.

Allele frequency attached by ClinVar (database versions not stated): TOPMed below 0.00001.
gnomAD v4.1: 2 of 1,550,308 alleles (0.00013%); highest among the groups gnomAD compares: Non-Finnish European, 0.00017%; no homozygotes.

Submissions (2):

GeneDx
Classification: Uncertain significance. Last evaluated: 2024-08-11. Review status: criteria provided, single submitter. Criteria: GeneDx Variant Classification Process June 2021. Collection method: clinical testing. Allele origin: germline. Affected: yes.
Comment: Not observed at significant frequency in large population cohorts (gnomAD); In silico analysis indicates that this missense variant does not alter protein structure/function; Has not been previously published as pathogenic or benign to our knowledge

Labcorp Genetics (formerly Invitae), Labcorp
Classification: Uncertain significance. Last evaluated: 2023-09-22. Review status: criteria provided, single submitter. Criteria: Invitae Variant Classification Sherloc (09022015). Collection method: clinical testing. Allele origin: germline.
Comment: This sequence change replaces leucine, which is neutral and non-polar, with valine, which is neutral and non-polar, at codon 1837 of the ZNF469 protein (p.Leu1837Val). This variant is not present in population databases (gnomAD no frequency). This variant has not been reported in the literature in individuals affected with ZNF469-related conditions. An algorithm developed to predict the effect of missense changes on protein structure and function (PolyPhen-2) suggests that this variant is likely to be tolerated. In summary, the available evidence is currently insufficient to determine the role of this variant in disease. Therefore, it has been classified as a Variant of Uncertain Significance.